The following is an entry in ClinVar:

NM_018089.3(ANKZF1):c.1366C>G (p.Arg456Gly)

Gene: ANKZF1 (ankyrin repeat and zinc finger peptidyl tRNA hydrolase 1; plus strand). Cytogenetic location: 2q35.
Variant type: single nucleotide variant.
Coding change: c.1366C>G on transcript NM_018089.3 (MANE Select); coding-DNA position 1366, C replaced by G.
Protein change: p.Arg456Gly; replaces arginine 456 with glycine.
Molecular consequence: missense variant.
Genome position (GRCh38, 1-based): chr2:219,234,987, C>G. VCF-style: chr2-219234987-C-G. GRCh37 (hg19) VCF-style: chr2-220099709-C-G.
Other names: c.1366C>G, p.Arg456Gly (NM_001042410.2); c.736C>G, p.Arg246Gly (NM_001282792.2); short protein forms R456G, R246G.
Identifiers: ClinVar variation 4719094 (VCV004719094.1).
Genomic context (GRCh38, chr2:219,234,987, plus strand): 5'-CGGAGGAGGAGAAAAAGGAATAAGAAGGAGAAAAGCCGAGACCAGGAGGCTGGGGCACAT[C>G]GGACTCTTCTCCAGCAAACTCAAGAAGAGGAGCCTTCCACACAGTCATCCCAGGCAGTTG-3'
Protein context (NP_060559.2, residues 446-466): KSRDQEAGAH[Arg456Gly]TLLQQTQEEE

ClinVar aggregate classification (germline): Uncertain significance (1 of 4 stars; one submission).

Submission:

Labcorp Genetics (formerly Invitae), Labcorp
Classification: Uncertain significance. Last evaluated: 2025-05-11. Review status: criteria provided, single submitter. Criteria: Invitae Variant Classification Sherloc (09022015). Collection method: clinical testing. Allele origin: germline.
Comment: This sequence change replaces arginine, which is basic and polar, with glycine, which is neutral and non-polar, at codon 456 of the ANKZF1 protein (p.Arg456Gly). This variant is present in population databases (no rsID available, gnomAD 0.003%). This variant has not been reported in the literature in individuals affected with ANKZF1-related conditions. An algorithm developed to predict the effect of missense changes on protein structure and function outputs the following: PolyPhen-2: "Benign". The glycine amino acid residue is found in multiple mammalian species, which suggests that this missense change does not adversely affect protein function. In summary, the available evidence is currently insufficient to determine the role of this variant in disease. Therefore, it has been classified as a Variant of Uncertain Significance.